The following is an entry in ClinVar:

ClinVar aggregate classification (germline): Uncertain significance (1 of 4 stars; one submission).

Conditions:
DICER1-related tumor predisposition. Also called: DICER1 syndrome; DICER1-related pleuropulmonary blastoma cancer predisposition syndrome. Identifiers: Orphanet 284343, MedGen C3839822, MONDO:0100216.

gnomAD v4.1: 1 of 1,614,068 alleles (0.000062%); highest among the groups gnomAD compares: South Asian, 0.0011%; no homozygotes.

Submission:

Labcorp Genetics (formerly Invitae), Labcorp
Classification: Uncertain significance for DICER1-related tumor predisposition. Last evaluated: 2024-05-09. Review status: criteria provided, single submitter. Criteria: Invitae Variant Classification Sherloc (09022015). Collection method: clinical testing. Allele origin: germline.
Comment: This sequence change replaces threonine, which is neutral and polar, with isoleucine, which is neutral and non-polar, at codon 18 of the DICER1 protein (p.Thr18Ile). This variant is not present in population databases (gnomAD no frequency). This variant has not been reported in the literature in individuals affected with DICER1-related conditions. An algorithm developed to predict the effect of missense changes on protein structure and function (PolyPhen-2) suggests that this variant is likely to be disruptive. In summary, the available evidence is currently insufficient to determine the role of this variant in disease. Therefore, it has been classified as a Variant of Uncertain Significance.

NM_177438.3(DICER1):c.53C>T (p.Thr18Ile)

Gene: DICER1 (dicer 1, ribonuclease III; minus strand). Cytogenetic location: 14q32.13.
Variant type: single nucleotide variant.
Coding change: c.53C>T on transcript NM_177438.3 (MANE Select); coding-DNA position 53, C replaced by T.
Protein change: p.Thr18Ile; replaces threonine 18 with isoleucine.
Molecular consequence: missense variant. On other transcripts: 5 prime UTR variant (8), non-coding transcript variant (6), intron variant (1).
Genome position (GRCh38, 1-based): chr14:95,133,406, G>A on the plus strand (C>T on the coding strand, the complement: DICER1 is on the minus strand). VCF-style: chr14-95133406-G-A. GRCh37 (hg19) VCF-style: chr14-95599743-G-A.
Other names: c.53C>T, p.Thr18Ile (NM_001195573.1, NM_001271282.3, NM_001291628.2 and 14 more transcripts); c.-222C>T (NM_001395686.1, NM_001395688.1, NM_001395689.1 and 3 more transcripts); c.-406C>T (NM_001395691.1); c.-1516C>T (NM_001395697.1); c.-130-729C>T (NM_001395687.1); short protein forms T18I.
Identifiers: ClinVar variation 3652793 (VCV003652793.2).